The following is an entry in ClinVar:

ClinVar aggregate classification (germline): Uncertain significance (1 of 4 stars; one submission).

Conditions:
Adult-onset proximal spinal muscular atrophy, autosomal dominant. Also called: Spinal muscular atrophy, late-onset, finkel type; FINKEL LATE-ADULT TYPE SMA. Identifiers: Orphanet 209335, MedGen C1854058, MONDO:0008453, OMIM 182980.
Amyotrophic lateral sclerosis type 8 (ALS8). Identifiers: Orphanet 803, MedGen C1837728, MONDO:0012077, OMIM 608627.

Submission:

Labcorp Genetics (formerly Invitae), Labcorp
Classification: Uncertain significance for Adult-onset proximal spinal muscular atrophy, autosomal dominant; Amyotrophic lateral sclerosis type 8. Last evaluated: 2020-11-19. Review status: criteria provided, single submitter. Criteria: Invitae Variant Classification Sherloc (09022015). Collection method: clinical testing. Allele origin: germline.
Comment: In summary, the available evidence is currently insufficient to determine the role of this variant in disease. Therefore, it has been classified as a Variant of Uncertain Significance. Algorithms developed to predict the effect of missense changes on protein structure and function are either unavailable or do not agree on the potential impact of this missense change (SIFT: "Not Available"; PolyPhen-2: "Probably Damaging"; Align-GVGD: "Not Available"). This variant has not been reported in the literature in individuals with VAPB-related conditions. This variant is not present in population databases (ExAC no frequency). This sequence change replaces proline with arginine at codon 75 of the VAPB protein (p.Pro75Arg). The proline residue is highly conserved and there is a moderate physicochemical difference between proline and arginine.

NM_004738.5(VAPB):c.224C>G (p.Pro75Arg)

Gene: VAPB (VAMP associated protein B and C; plus strand). Cytogenetic location: 20q13.32.
Variant type: single nucleotide variant.
Coding change: c.224C>G on transcript NM_004738.5 (MANE Select); coding-DNA position 224, C replaced by G.
Protein change: p.Pro75Arg; replaces proline 75 with arginine.
Molecular consequence: missense variant. On other transcripts: intron variant (1).
Genome position (GRCh38, 1-based): chr20:58,434,614, C>G. VCF-style: chr20-58434614-C-G. GRCh37 (hg19) VCF-style: chr20-57009670-C-G.
Other names: c.212-9463C>G (NM_001195677.2); short protein forms P75R.
Identifiers: ClinVar variation 1423442 (VCV001423442.8), dbSNP rs2123088879, ClinGen allele CA409439065.